The following is an entry in ClinVar:

NM_004333.6(BRAF):c.980+2809G>A

Gene: BRAF (B-Raf proto-oncogene, serine/threonine kinase; minus strand). Cytogenetic location: 7q34.
Variant type: single nucleotide variant.
Coding change: c.980+2809G>A on transcript NM_004333.6 (MANE Select); 2809 bases into the intron after coding-DNA position 980, G replaced by A.
Molecular consequence: intron variant.
Genome position (GRCh38, 1-based): chr7:140,797,553, C>T on the plus strand (G>A on the coding strand, the complement: BRAF is on the minus strand). VCF-style: chr7-140797553-C-T. GRCh37 (hg19) VCF-style: chr7-140497353-C-T.
Other names: c.980+2809G>A (NM_001378474.1, NM_001378471.1, NM_001378468.1 and 4 more transcripts); c.878+2809G>A (NM_001378470.1); c.716+2809G>A (NM_001378475.1); c.989+2809G>A (NM_001378467.1); c.824+2809G>A (NM_001378472.1, NM_001378473.1).
Identifiers: ClinVar variation 2658079 (VCV002658079.24), dbSNP rs544968592, ClinGen allele CA168103324.

ClinVar aggregate classification (germline): Likely benign (1 of 4 stars; one submission).

Allele frequency attached by ClinVar (database versions not stated): TOPMed 0.00013; gnomAD 0.00014; 1000 Genomes Project 0.00080; 1000 Genomes Project 30x 0.00094.
gnomAD v4.1: 22 of 152,278 alleles (0.014%); highest among the groups gnomAD compares: South Asian, 0.15%; no homozygotes.

Submission:

CeGaT Center for Human Genetics Tuebingen
Classification: Likely benign. Last evaluated: 2026-03-01. Review status: criteria provided, single submitter. Criteria: CeGaT Center For Human Genetics Tuebingen Variant Classification Criteria Version 2. Collection method: clinical testing. Allele origin: germline. Affected: yes. Observed: 4 variant alleles.
Comment: BRAF: BS1